The following is an entry in ClinVar:

NM_001909.5(CTSD):c.797G>A (p.Arg266His)

Gene: CTSD (cathepsin D; minus strand). Cytogenetic location: 11p15.5.
Variant type: single nucleotide variant.
Coding change: c.797G>A on transcript NM_001909.5 (MANE Select); coding-DNA position 797, G replaced by A.
Protein change: p.Arg266His; replaces arginine 266 with histidine.
Molecular consequence: missense variant.
Genome position (GRCh38, 1-based): chr11:1,754,936, C>T on the plus strand (G>A on the coding strand, the complement: CTSD is on the minus strand). VCF-style: chr11-1754936-C-T. GRCh37 (hg19) VCF-style: chr11-1776166-C-T.
Other names: short protein forms R266H.
Identifiers: ClinVar variation 2194742 (VCV002194742.3), dbSNP rs755866863, ClinGen allele CA5814065.

ClinVar aggregate classification (germline): Uncertain significance (1 of 4 stars; one submission).

Conditions:
Neuronal ceroid lipofuscinosis. Also called: Neuronal Ceroid Lipofuscinoses. Identifiers: Orphanet 216, Orphanet 79263, MedGen C0027877, MONDO:0016295. Disease mechanism: loss of function.

Allele frequency attached by ClinVar (database versions not stated): TOPMed 0.00003; gnomAD 0.00006.
gnomAD v4.1: 25 of 1,613,772 alleles (0.0015%); highest among the groups gnomAD compares: Admixed American, 0.03%; no homozygotes.

Submission:

Labcorp Genetics (formerly Invitae), Labcorp
Classification: Uncertain significance for Neuronal ceroid lipofuscinosis. Last evaluated: 2024-06-17. Review status: criteria provided, single submitter. Criteria: Invitae Variant Classification Sherloc (09022015). Collection method: clinical testing. Allele origin: germline.
Comment: This sequence change replaces arginine, which is basic and polar, with histidine, which is basic and polar, at codon 266 of the CTSD protein (p.Arg266His). This variant is present in population databases (rs755866863, gnomAD 0.03%). This variant has not been reported in the literature in individuals affected with CTSD-related conditions. ClinVar contains an entry for this variant (Variation ID: 2194742). Advanced modeling of protein sequence and biophysical properties (such as structural, functional, and spatial information, amino acid conservation, physicochemical variation, residue mobility, and thermodynamic stability) performed at Invitae indicates that this missense variant is not expected to disrupt CTSD protein function with a negative predictive value of 80%. In summary, the available evidence is currently insufficient to determine the role of this variant in disease. Therefore, it has been classified as a Variant of Uncertain Significance.